The following is an entry in ClinVar:

NM_004991.4(MECOM):c.3310C>T (p.Pro1104Ser)

Gene: MECOM (MDS1 and EVI1 complex locus; minus strand). Cytogenetic location: 3q26.2.
Variant type: single nucleotide variant.
Coding change: c.3310C>T on transcript NM_004991.4 (MANE Select); coding-DNA position 3310, C replaced by T.
Protein change: p.Pro1104Ser; replaces proline 1104 with serine.
Molecular consequence: missense variant.
Genome position (GRCh38, 1-based): chr3:169,090,091, G>A on the plus strand (C>T on the coding strand, the complement: MECOM is on the minus strand). VCF-style: chr3-169090091-G-A. GRCh37 (hg19) VCF-style: chr3-168807879-G-A.
Other names: c.2941C>T, p.Pro981Ser (NM_001105077.4); c.2746C>T, p.Pro916Ser (NM_001105078.4, NM_001205194.2, NM_001366469.2 and 1 more transcripts); c.2722C>T, p.Pro908Ser (NM_001163999.2, NM_001366470.2); c.2719C>T, p.Pro907Ser (NM_001164000.2, NM_001366471.2, NM_001366472.2); c.3283C>T, p.Pro1095Ser (NM_001366466.2); c.2749C>T, p.Pro917Ser (NM_001366467.2, NM_001366468.2); c.2311C>T, p.Pro771Ser (NM_001366473.2); c.1747C>T, p.Pro583Ser (NM_001366474.2); short protein forms P583S, P907S, P981S, P1095S, P1104S, P771S, P916S, P908S.
Identifiers: ClinVar variation 4826730 (VCV004826730.1).

ClinVar aggregate classification (germline): Uncertain significance (1 of 4 stars; one submission).

Conditions:
Inborn genetic diseases. Identifiers: MedGen C0950123, MeSH D030342.

Submission:

Ambry Genetics
Classification: Uncertain significance for Inborn genetic diseases. Last evaluated: 2026-03-14. Review status: criteria provided, single submitter. Criteria: Ambry Variant Classification Scheme 2023. Collection method: clinical testing. Allele origin: germline.
Comment: The p.P1104S variant (also known as c.3310C>T), located in coding exon 15 of the MECOM gene, results from a C to T substitution at nucleotide position 3310. The proline at codon 1104 is replaced by serine, an amino acid with similar properties. This amino acid position is conserved. In addition, this alteration is predicted to be tolerated by in silico analysis. Based on the available evidence, the clinical significance of this variant remains unclear.